The following is an entry in ClinVar:

NM_173842.3(IL1RN):c.205+32G>A

Gene: IL1RN (interleukin 1 receptor antagonist; plus strand). Cytogenetic location: 2q14.1.
Variant type: single nucleotide variant.
Coding change: c.205+32G>A on transcript NM_173842.3 (MANE Select); 32 bases into the intron after coding-DNA position 205, G replaced by A.
Molecular consequence: intron variant.
Genome position (GRCh38, 1-based): chr2:113,129,696, G>A. VCF-style: chr2-113129696-G-A. GRCh37 (hg19) VCF-style: chr2-113887273-G-A.
Other names: c.103+32G>A (NM_001318914.2, NM_173843.3, NM_001379360.1); c.214+32G>A (NM_173841.3); c.151+32G>A (NM_000577.5).
Identifiers: ClinVar variation 1225921 (VCV001225921.6), dbSNP rs446433, ClinGen allele CA1838811.

ClinVar aggregate classification (germline): Benign. Review status: criteria provided, multiple submitters, no conflicts (2 of 4 stars). 3 submissions from 3 submitters: Benign (3). Last evaluated 2023-11-12.

Allele frequency attached by ClinVar (database versions not stated): 1000 Genomes Project 30x 0.18738; 1000 Genomes Project 0.19169; ESP Exome Variant Server 0.20583; TOPMed 0.20600; gnomAD 0.21252 and 0.21557; ExAC 0.24915; gnomAD exomes 0.25619 and 0.25858.
gnomAD v4.1: 351,662 of 1,386,794 alleles (25%); highest among the groups gnomAD compares: Admixed American, 31%; 47,581 homozygotes.

Submissions (3):

Unidad de Genómica Garrahan, Hospital de Pediatría Garrahan
Classification: Benign. Last evaluated: 2023-11-12. Review status: criteria provided, single submitter. Criteria: ACMG Guidelines, 2015. Collection method: clinical testing. Allele origin: germline. Affected: no. Observed: 49 variant alleles.
Comment: This variant is classified as Benign based on local population frequency. This variant was detected in 51% of patients studied by a panel of primary immunodeficiencies. Number of patients: 49. Only high quality variants are reported.

GeneDx
Classification: Benign. Last evaluated: 2021-05-12. Review status: criteria provided, single submitter. Criteria: GeneDx Variant Classification Process June 2021. Collection method: clinical testing. Allele origin: germline. Affected: yes.

Breakthrough Genomics
Classification: Benign. Review status: criteria provided, single submitter. Criteria: ACMG Guidelines, 2015. Collection method: not provided. Allele origin: germline. Inheritance: Autosomal recessive inheritance. Affected: yes.